The following is an entry in ClinVar:

ClinVar aggregate classification (germline): Uncertain significance. Review status: criteria provided, multiple submitters, no conflicts (2 of 4 stars). 2 submissions from 2 submitters: Uncertain significance (2). Last evaluated 2025-08-27.

gnomAD v4.1: 2 of 1,614,152 alleles (0.00012%); highest among the groups gnomAD compares: African/African-American, 0.0027%; no homozygotes.

Submissions (2):

Ambry Genetics
Classification: Uncertain significance. Last evaluated: 2025-08-27. Review status: criteria provided, single submitter. Criteria: Ambry Variant Classification Scheme 2023. Collection method: clinical testing. Allele origin: germline.

Labcorp Genetics (formerly Invitae), Labcorp
Classification: Uncertain significance. Last evaluated: 2025-06-24. Review status: criteria provided, single submitter. Criteria: Invitae Variant Classification Sherloc (09022015). Collection method: clinical testing. Allele origin: germline.
Comment: This sequence change replaces serine, which is neutral and polar, with phenylalanine, which is neutral and non-polar, at codon 269 of the FBN3 protein (p.Ser269Phe). This variant is present in population databases (no rsID available, gnomAD 0.01%). This variant has not been reported in the literature in individuals affected with FBN3-related conditions. An algorithm developed to predict the effect of missense changes on protein structure and function (PolyPhen-2) suggests that this variant is likely to be disruptive. In summary, the available evidence is currently insufficient to determine the role of this variant in disease. Therefore, it has been classified as a Variant of Uncertain Significance.

NM_032447.5(FBN3):c.806C>T (p.Ser269Phe)

Gene: FBN3 (fibrillin 3; minus strand). Cytogenetic location: 19p13.2.
Variant type: single nucleotide variant.
Coding change: c.806C>T on transcript NM_032447.5 (MANE Select); coding-DNA position 806, C replaced by T.
Protein change: p.Ser269Phe; replaces serine 269 with phenylalanine.
Molecular consequence: missense variant.
Genome position (GRCh38, 1-based): chr19:8,141,776, G>A on the plus strand (C>T on the coding strand, the complement: FBN3 is on the minus strand). VCF-style: chr19-8141776-G-A. GRCh37 (hg19) VCF-style: chr19-8206660-G-A.
Other names: c.806C>T, p.Ser269Phe (NM_001321431.2); short protein forms S269F.
Identifiers: ClinVar variation 4255528 (VCV004255528.2).